The following is an entry in ClinVar:

ClinVar aggregate classification (germline): Likely pathogenic. Review status: criteria provided, multiple submitters, no conflicts (2 of 4 stars). 2 submissions from 2 submitters: Likely pathogenic (2). Last evaluated 2026-01-11.

Conditions:
Fanconi anemia complementation group O. Also called: RAD51C-Related Fanconi Anemia. Identifiers: Orphanet 84, MedGen C3150653, MONDO:0013248, OMIM 613390.
Familial ovarian cancer. Identifiers: MedGen C5679802, MONDO:0016248.

gnomAD v4.1: 2 of 1,609,646 alleles (0.00012%); highest among the groups gnomAD compares: Non-Finnish European, 0.00017%; no homozygotes.

Submissions (2):

Labcorp Genetics (formerly Invitae), Labcorp
Classification: Likely pathogenic for Fanconi anemia complementation group O. Last evaluated: 2026-01-11. Review status: criteria provided, single submitter. Criteria: Invitae Variant Classification Sherloc (09022015). Collection method: clinical testing. Allele origin: germline.
Comment: This sequence change affects a donor splice site in intron 7 of the RAD51C gene. It is expected to disrupt RNA splicing. Variants that disrupt the donor or acceptor splice site typically lead to a loss of protein function (PMID: 16199547), and loss-of-function variants in RAD51C are known to be pathogenic (PMID: 20400964, 21990120, 24800917, 29278735). This variant is not present in population databases (gnomAD no frequency). This variant has not been reported in the literature in individuals affected with RAD51C-related conditions. ClinVar contains an entry for this variant (Variation ID: 4056275). Algorithms developed to predict the effect of sequence changes on RNA splicing suggest that this variant may disrupt the consensus splice site. In summary, the currently available evidence indicates that the variant is pathogenic, but additional data are needed to prove that conclusively. Therefore, this variant has been classified as Likely Pathogenic.

Molecular Pathology, Peter Maccallum Cancer Centre
Classification: Likely pathogenic for Familial ovarian cancer. Last evaluated: 2024-03-27. Review status: criteria provided, single submitter. Criteria: ACMG Guidelines, 2015. Collection method: clinical testing. Allele origin: germline. Inheritance: Autosomal dominant inheritance.

Literature cited by the submitters: PubMed 16199547 (cited by Labcorp Genetics (formerly Invitae), Labcorp); PubMed 20400964 (cited by Labcorp Genetics (formerly Invitae), Labcorp); PubMed 21990120 (cited by Labcorp Genetics (formerly Invitae), Labcorp); PubMed 24800917 (cited by Labcorp Genetics (formerly Invitae), Labcorp); PubMed 29278735 (cited by Labcorp Genetics (formerly Invitae), Labcorp).

NM_058216.3(RAD51C):c.965+2T>G

Gene: RAD51C (RAD51 paralog C; plus strand). Cytogenetic location: 17q22.
Variant type: single nucleotide variant.
Coding change: c.965+2T>G on transcript NM_058216.3 (MANE Select); the canonical splice donor site of the intron after coding-DNA position 965, T replaced by G.
Molecular consequence: splice donor variant.
Genome position (GRCh38, 1-based): chr17:58,724,102, T>G. VCF-style: chr17-58724102-T-G. GRCh37 (hg19) VCF-style: chr17-56801463-T-G.
Identifiers: ClinVar variation 4056275 (VCV004056275.2).